The following is an entry in ClinVar:

ClinVar aggregate classification (germline): Likely benign. Review status: criteria provided, multiple submitters, no conflicts (2 of 4 stars). 4 submissions from 4 submitters: Likely benign (3). 1 of the submissions does not count toward it. Last evaluated 2025-11-18.

Conditions:
ADCY1-related disorder. Also called: ADCY1-related condition.

Allele frequency attached by ClinVar (database versions not stated): ExAC 0.00013; 1000 Genomes Project 30x 0.00016; gnomAD exomes 0.00017 and 0.00021; 1000 Genomes Project 0.00020; gnomAD 0.00022 and 0.00024; ESP Exome Variant Server 0.00023; TOPMed 0.00028.
gnomAD v4.1: 375 of 1,610,220 alleles (0.023%); highest among the groups gnomAD compares: Middle Eastern, 0.26%; 1 homozygote.

Submissions (4):

Labcorp Genetics (formerly Invitae), Labcorp
Classification: Likely benign. Last evaluated: 2025-11-18. Review status: criteria provided, single submitter. Criteria: Invitae Variant Classification Sherloc (09022015). Collection method: clinical testing. Allele origin: germline.

Blueprint Genetics
Classification: Likely benign. Last evaluated: 2024-10-09. Review status: criteria provided, single submitter. Criteria: ACMG Guidelines, 2015. Collection method: clinical testing. Allele origin: germline.

GeneDx
Classification: Likely benign. Last evaluated: 2020-09-11. Review status: criteria provided, single submitter. Criteria: GeneDx Variant Classification Process June 2021. Collection method: clinical testing. Allele origin: germline. Affected: yes.

PreventionGenetics, part of Exact Sciences
Classification: Likely benign for ADCY1-related condition. Last evaluated: 2019-11-26. Review status: no assertion criteria provided. Collection method: clinical testing. Allele origin: germline. Not counted in ClinVar's aggregate classification.
Comment: This variant is classified as likely benign based on ACMG/AMP sequence variant interpretation guidelines (Richards et al. 2015 PMID: 25741868, with internal and published modifications).

NM_021116.4(ADCY1):c.1005C>T (p.Phe335=)

Gene: ADCY1 (adenylate cyclase 1; plus strand). Cytogenetic location: 7p12.3.
Variant type: single nucleotide variant.
Coding change: c.1005C>T on transcript NM_021116.4 (MANE Select); coding-DNA position 1005, C replaced by T.
Protein change: p.Phe335=; no amino-acid change (phenylalanine 335 retained).
Molecular consequence: synonymous variant.
Genome position (GRCh38, 1-based): chr7:45,622,728, C>T. VCF-style: chr7-45622728-C-T. GRCh37 (hg19) VCF-style: chr7-45662327-C-T.
Other names: c.330C>T, p.Phe110= (NM_001281768.2).
Identifiers: ClinVar variation 718536 (VCV000718536.13), dbSNP rs143472730, ClinGen allele CA4248816.